The following is an entry in ClinVar:

NM_014844.5(TECPR2):c.1270C>T (p.Pro424Ser)

Gene: TECPR2 (tectonin beta-propeller repeat containing 2; plus strand). Cytogenetic location: 14q32.31.
Variant type: single nucleotide variant.
Coding change: c.1270C>T on transcript NM_014844.5 (MANE Select); coding-DNA position 1270, C replaced by T.
Protein change: p.Pro424Ser; replaces proline 424 with serine.
Molecular consequence: missense variant.
Genome position (GRCh38, 1-based): chr14:102,431,981, C>T. VCF-style: chr14-102431981-C-T. GRCh37 (hg19) VCF-style: chr14-102898318-C-T.
Other names: c.1270C>T, p.Pro424Ser (NM_001172631.3); short protein forms P424S.
Identifiers: ClinVar variation 989667 (VCV000989667.3), dbSNP rs770753468, ClinGen allele CA7357682.

ClinVar aggregate classification (germline): Uncertain significance. Review status: criteria provided, single submitter (1 of 4 stars). 2 submissions from 2 submitters: Uncertain significance (1). 1 of the submissions does not count toward it. Last evaluated 2022-08-01.

Conditions:
Hereditary spastic paraplegia 49 (HSAN9). Also called: Spastic paraplegia 49, autosomal recessive; NEUROPATHY, HEREDITARY SENSORY AND AUTONOMIC, TYPE IX, WITH DEVELOPMENTAL DELAY; TECPR2-Related Hereditary Sensory and Autonomic Neuropathy with Intellectual Disability. Identifiers: Orphanet 320385, MedGen C5190860, MONDO:0014016, OMIM 615031.

Allele frequency attached by ClinVar (database versions not stated): TOPMed 0.00001; gnomAD 0.00002; gnomAD exomes 0.00004; ExAC 0.00008.
gnomAD v4.1: 63 of 1,612,686 alleles (0.0039%); highest among the groups gnomAD compares: Non-Finnish European, 0.0053%; no homozygotes.

Submissions (2):

Labcorp Genetics (formerly Invitae), Labcorp
Classification: Uncertain significance for Hereditary spastic paraplegia 49. Last evaluated: 2022-08-01. Review status: criteria provided, single submitter. Criteria: Invitae Variant Classification Sherloc (09022015). Collection method: clinical testing. Allele origin: germline.
Comment: This sequence change replaces proline, which is neutral and non-polar, with serine, which is neutral and polar, at codon 424 of the TECPR2 protein (p.Pro424Ser). This variant is present in population databases (rs770753468, gnomAD 0.01%). This variant has not been reported in the literature in individuals affected with TECPR2-related conditions. ClinVar contains an entry for this variant (Variation ID: 989667). Algorithms developed to predict the effect of missense changes on protein structure and function (SIFT, PolyPhen-2, Align-GVGD) all suggest that this variant is likely to be tolerated. In summary, the available evidence is currently insufficient to determine the role of this variant in disease. Therefore, it has been classified as a Variant of Uncertain Significance.

Natera, Inc.
Classification: Uncertain significance for Autosomal recessive spastic paraplegia type 49. Last evaluated: 2020-08-13. Review status: no assertion criteria provided. Collection method: clinical testing. Allele origin: germline. Not counted in ClinVar's aggregate classification.